The following is an entry in ClinVar:

NM_001367624.2(ZNF469):c.2666C>A (p.Ala889Glu)

Gene: ZNF469 (zinc finger protein 469; plus strand). Cytogenetic location: 16q24.2.
Variant type: single nucleotide variant.
Coding change: c.2666C>A on transcript NM_001367624.2 (MANE Select); coding-DNA position 2666, C replaced by A.
Protein change: p.Ala889Glu; replaces alanine 889 with glutamic acid.
Molecular consequence: missense variant.
Genome position (GRCh38, 1-based): chr16:88,430,136, C>A. VCF-style: chr16-88430136-C-A. GRCh37 (hg19) VCF-style: chr16-88496544-C-A.
Other names: short protein forms A889E.
Identifiers: ClinVar variation 4847186 (VCV004847186.1).

ClinVar aggregate classification (germline): Uncertain significance (1 of 4 stars; one submission).

gnomAD v4.1: 4 of 1,550,024 alleles (0.00026%); highest among the groups gnomAD compares: East Asian, 0.0073%; no homozygotes.

Submission:

Women's Health and Genetics/Laboratory Corporation of America, LabCorp
Classification: Uncertain significance. Last evaluated: 2026-03-16. Review status: criteria provided, single submitter. Criteria: LabCorp Variant Classification Summary - May 2015. Collection method: clinical testing. Allele origin: germline.
Comment: Variant summary: ZNF469 c.2666C>A (p.Ala889Glu) results in a non-conservative amino acid change in the encoded protein sequence. Algorithms developed to predict the effect of missense changes on protein structure and function are either unavailable or do not agree on the potential impact of this missense change. The variant allele was found at a frequency of 6.7e-06 in 148484 control chromosomes. The available data on variant occurrences in the general population are insufficient to allow any conclusion about variant significance. To our knowledge, no occurrence of c.2666C>A in individuals affected with ZNF469-related conditions and no experimental evidence demonstrating its impact on protein function have been reported. No submitters have cited clinical-significance assessments for this variant to ClinVar. Based on the evidence outlined above, the variant was classified as uncertain significance.